The following is an entry in ClinVar:

ClinVar aggregate classification (germline): Uncertain significance. Review status: criteria provided, multiple submitters, no conflicts (2 of 4 stars). 3 submissions from 3 submitters: Uncertain significance (3). Last evaluated 2023-11-30.

Conditions:
Hereditary cancer-predisposing syndrome. Also called: Hereditary Cancer Syndrome; Neoplastic Syndromes, Hereditary; Tumor predisposition; Hereditary neoplastic syndrome. Identifiers: Orphanet 140162, MedGen C0027672, MeSH D009386, MONDO:0015356.

Allele frequency attached by ClinVar (database versions not stated): gnomAD exomes below 0.00001.
gnomAD v4.1: 2 of 1,612,696 alleles (0.00012%); highest among the groups gnomAD compares: East Asian, 0.0022%; no homozygotes.

Submissions (3):

Ambry Genetics
Classification: Uncertain significance for Hereditary cancer-predisposing syndrome. Last evaluated: 2023-11-30. Review status: criteria provided, single submitter. Criteria: Ambry Variant Classification Scheme 2023. Collection method: clinical testing. Allele origin: germline.
Comment: The p.P1341L variant (also known as c.4022C>T), located in coding exon 26 of the ATM gene, results from a C to T substitution at nucleotide position 4022. The proline at codon 1341 is replaced by leucine, an amino acid with similar properties. This amino acid position is highly conserved in available vertebrate species. In addition, the in silico prediction for this alteration is inconclusive. Since supporting evidence is limited at this time, the clinical significance of this alteration remains unclear.

GeneDx
Classification: Uncertain significance. Last evaluated: 2022-12-12. Review status: criteria provided, single submitter. Criteria: GeneDx Variant Classification Process June 2021. Collection method: clinical testing. Allele origin: germline. Affected: yes.
Comment: Not observed at significant frequency in large population cohorts (gnomAD); In silico analysis supports that this missense variant has a deleterious effect on protein structure/function; Has not been previously published as pathogenic or benign to our knowledge

Color Diagnostics, LLC DBA Color Health
Classification: Uncertain significance for Hereditary cancer-predisposing syndrome. Last evaluated: 2019-05-08. Review status: criteria provided, single submitter. Criteria: ACMG Guidelines, 2015. Collection method: clinical testing. Allele origin: germline.

NM_000051.4(ATM):c.4022C>T (p.Pro1341Leu)

Gene: ATM (ATM serine/threonine kinase; plus strand). Cytogenetic location: 11q22.3.
Variant type: single nucleotide variant.
Coding change: c.4022C>T on transcript NM_000051.4 (MANE Select); coding-DNA position 4022, C replaced by T.
Protein change: p.Pro1341Leu; replaces proline 1341 with leucine.
Molecular consequence: missense variant.
Genome position (GRCh38, 1-based): chr11:108,287,628, C>T. VCF-style: chr11-108287628-C-T. GRCh37 (hg19) VCF-style: chr11-108158355-C-T.
Other names: c.4022C>T, p.Pro1341Leu (NM_001351834.2); short protein forms P1341L.
Identifiers: ClinVar variation 489544 (VCV000489544.6), dbSNP rs1555095890, ClinGen allele CA382527654.